The following is an entry in ClinVar:

NM_139076.3(ABRAXAS1):c.1032dup (p.Lys345Ter)

Gene: ABRAXAS1 (abraxas 1, BRCA1 A complex subunit; minus strand). Cytogenetic location: 4q21.23.
Variant type: Duplication.
Coding change: c.1032dup on transcript NM_139076.3 (MANE Select); coding-DNA position 1032, one base duplicated (T; older notation c.1032dupT).
Protein change: p.Lys345Ter; replaces lysine 345 with a stop codon.
Molecular consequence: nonsense.
Genome position (GRCh38, 1-based): chr4:83,462,667, A duplicated on the plus strand (T on the coding strand, the reverse complement: ABRAXAS1 is on the minus strand); the first of 2 consecutive A bases (chr4:83,462,667-83,462,668); duplicating either gives the same sequence. VCF-style (leftmost placement, unchanged base first): chr4-83462666-T-TA. GRCh37 (hg19) VCF-style: chr4-84383819-T-TA.
Other names: c.705dup, p.Lys236Ter (NM_001345962.2); short protein forms K236*, K345*.
Identifiers: ClinVar variation 128214 (VCV000128214.9), dbSNP rs587780261, ClinGen allele CA288633.

ClinVar aggregate classification (germline): Uncertain significance (1 of 4 stars; one submission).

Submission:

Labcorp Genetics (formerly Invitae), Labcorp
Classification: Uncertain significance. Last evaluated: 2025-04-28. Review status: criteria provided, single submitter. Criteria: Invitae Variant Classification Sherloc (09022015). Collection method: clinical testing. Allele origin: germline.
Comment: This sequence change creates a premature translational stop signal (p.Lys345*) in the ABRAXAS1 gene. While this is not anticipated to result in nonsense mediated decay, it is expected to disrupt the last 65 amino acid(s) of the ABRAXAS1 protein. This variant is not present in population databases (gnomAD no frequency). This variant has not been reported in the literature in individuals affected with ABRAXAS1-related conditions. ClinVar contains an entry for this variant (Variation ID: 128214). In summary, the available evidence is currently insufficient to determine the role of this variant in disease. Therefore, it has been classified as a Variant of Uncertain Significance.